The following is an entry in ClinVar:

ClinVar aggregate classification (germline): Uncertain significance (1 of 4 stars; one submission).

Submission:

Women's Health and Genetics/Laboratory Corporation of America, LabCorp
Classification: Uncertain significance. Last evaluated: 2025-10-28. Review status: criteria provided, single submitter. Criteria: LabCorp Variant Classification Summary - May 2015. Collection method: clinical testing. Allele origin: germline.
Comment: Variant summary: MORC2 c.2011C>T (p.Pro671Ser) results in a non-conservative amino acid change in the encoded protein sequence. Algorithms developed to predict the effect of missense changes on protein structure and function are either unavailable or do not agree on the potential impact of this missense change. The variant was absent in 251200 control chromosomes. The available data on variant occurrences in the general population are insufficient to allow any conclusion about variant significance. To our knowledge, no occurrence of c.2011C>T in individuals affected with MORC2-related conditions and no experimental evidence demonstrating its impact on protein function have been reported. No submitters have cited clinical-significance assessments for this variant to ClinVar. Based on the evidence outlined above, the variant was classified as uncertain significance.

NM_001303256.3(MORC2):c.2011C>T (p.Pro671Ser)

Gene: MORC2 (MORC family CW-type zinc finger 2; minus strand). Cytogenetic location: 22q12.2.
Variant type: single nucleotide variant.
Coding change: c.2011C>T on transcript NM_001303256.3 (MANE Select); coding-DNA position 2011, C replaced by T.
Protein change: p.Pro671Ser; replaces proline 671 with serine.
Molecular consequence: missense variant.
Genome position (GRCh38, 1-based): chr22:30,934,963, G>A on the plus strand (C>T on the coding strand, the complement: MORC2 is on the minus strand). VCF-style: chr22-30934963-G-A. GRCh37 (hg19) VCF-style: chr22-31330950-G-A.
Other names: c.2011C>T, p.Pro671Ser (NM_001303257.2); c.1825C>T, p.Pro609Ser (NM_014941.3); short protein forms P609S, P671S.
Identifiers: ClinVar variation 4687673 (VCV004687673.1).